The following is an entry in ClinVar:

ClinVar aggregate classification (germline): Uncertain significance (1 of 4 stars; one submission).

Submission:

Labcorp Genetics (formerly Invitae), Labcorp
Classification: Uncertain significance. Last evaluated: 2025-08-04. Review status: criteria provided, single submitter. Criteria: Invitae Variant Classification Sherloc (09022015). Collection method: clinical testing. Allele origin: germline.
Comment: This sequence change creates a premature translational stop signal (p.Ser503Leufs*8) in the SRP72 gene. It is expected to result in an absent or disrupted protein product. However, the current clinical and genetic evidence is not sufficient to establish whether loss-of-function variants in SRP72 cause disease. Information on the frequency of this variant in the gnomAD database is not available, as this variant may be reported differently in the database. This variant has not been reported in the literature in individuals affected with SRP72-related conditions. In summary, the available evidence is currently insufficient to determine the role of this variant in disease. Therefore, it has been classified as a Variant of Uncertain Significance.

NM_006947.4(SRP72):c.1506_1510delinsACT (p.Ser503fs)

Gene: SRP72 (signal recognition particle 72; plus strand). Cytogenetic location: 4q12.
Variant type: Indel.
Coding change: c.1506_1510delinsACT on transcript NM_006947.4 (MANE Select); coding-DNA positions 1506 to 1510, TAGTA replaced by ACT.
Protein change: p.Ser503fs; shifts the reading frame from serine 503.
Molecular consequence: frameshift variant. On other transcripts: non-coding transcript variant (1).
Genome position (GRCh38, 1-based): chr4:56,491,434-56,491,438, TAGTA replaced by ACT. VCF-style: chr4-56491434-TAGTA-ACT. GRCh37 (hg19) VCF-style: chr4-57357600-TAGTA-ACT.
Other names: c.1323_1327delinsACT, p.Ser442fs (NM_001267722.2); short protein forms S503fs, S442fs.
Identifiers: ClinVar variation 1918298 (VCV001918298.5), dbSNP rs2545768754, ClinGen allele CA2580071215.
Genomic context (GRCh38, chr4:56,491,434, plus strand): 5'-CTATATAAATGTGTGTGTTTGTGTATATTATGTTCCTGAACTCCTGTTCTATCACAGTCT[TAGTA>ACT]AACACTTGCCATCGTCAGATAGTATGTCTCTAAAAGTAGATGTTGAGGCTCTTGAAAATT-3'